The following continues an entry in ClinVar:

NM_022437.3(ABCG8):c.1720G>A (p.Gly574Arg)

Gene: ABCG8. ClinVar aggregate classification (germline): Pathogenic/Likely pathogenic. Pathogenic (8); Likely pathogenic (5).

Submissions 12 to 14 of 14:

Neuberg Centre For Genomic Medicine, NCGM
Classification: Pathogenic for Sitosterolemia 1. Review status: criteria provided, single submitter. Criteria: ACMG Guidelines, 2015. Collection method: clinical testing. Allele origin: germline. Inheritance: Autosomal recessive inheritance. Affected: yes.
Comment: The missense variant p.G574R in ABCG8 (NM_022437.3) has been reported as a common variant in the Amish population (Horenstein RB et al,2013; Ruiz XD et al). The variant has been submitted to ClinVar as Pathogenic. The p.G574R variant is observed in 11/1,13,234 (0.0097%) alleles from individuals of European (Non-Finnish) background in gnomAD Exomes and is novel (not in any individuals) in 1000 Genomes. The p.G574R missense variant is predicted to be damaging by both SIFT and PolyPhen2. The nucleotide c.1720 in ABCG8 is predicted conserved by GERP++ and PhyloP across 100 vertebrates. For these reasons, this variant has been classified as Pathogenic.

Rady Children's Institute for Genomic Medicine, Rady Children's Hospital San Diego
Classification: Pathogenic for SITOSTEROLEMIA. Review status: criteria provided, single submitter. Criteria: ACMG Guidelines, 2015. Collection method: clinical testing. Allele origin: germline. Affected: yes.
Comment: This variant has been previously reported as a compound heterozygous change with a nonsense variant in one individual with Sitosterolemia and as homozygous change in several individuals with Sitosterolemia (PMID: 11264985, 12124998, 25073796, 15996216). Functional studies have shown that this variant is associated decreased protein maturation (PMID: 15054092). The c.1720G>A (p.Gly574Arg) variant is present in the heterozygous state in the gnomAD population database at a frequency of 0.006% (18/282058) and thus is presumed to be rare. The allele frequency in the Amish population is 1.5% (15/984), suggesting a founder effect (PMID: 23241408). The c.1720G>A (p.Gly574Arg) variant affects a moderately conserved amino acid and is predicted by multiple in silico tools to have a discordant effect on protein function. Based on the available evidence, the c.1720G>A (p.Gly574Arg) variant is classified as Pathogenic.

OMIM
Classification: Pathogenic for SITOSTEROLEMIA 1. Last evaluated: 2005-08-01. Review status: no assertion criteria provided. Collection method: literature only. Allele origin: germline. Not counted in ClinVar's aggregate classification.

Literature cited by the submitters: PubMed 11099417 (cited by 6 submitters); PubMed 12124998 (cited by 3 submitters); PubMed 15996216 (cited by 4 submitters); PubMed 25073796 (cited by Labcorp Genetics (formerly Invitae), Labcorp and Illumina Laboratory Services, Illumina); PubMed 32088153 (cited by Labcorp Genetics (formerly Invitae), Labcorp); PubMed 34969652 (cited by Labcorp Genetics (formerly Invitae), Labcorp); PubMed 15054092 (cited by 4 submitters); PubMed 11452359 (cited by Labcorp Genetics (formerly Invitae), Labcorp); PubMed 34317312 (cited by Women's Health and Genetics/Laboratory Corporation of America, LabCorp); PubMed 23241408 (cited by 3 submitters); PubMed 30545335 (cited by Ambry Genetics); PubMed 6110091 (cited by Ambry Genetics and OMIM); PubMed 11264985 (cited by Illumina Laboratory Services, Illumina); PubMed 3706300 (cited by OMIM).